The following is an entry in ClinVar:

ClinVar aggregate classification (germline): Pathogenic/Likely pathogenic. Review status: criteria provided, multiple submitters, no conflicts (2 of 4 stars). 3 submissions from 3 submitters: Pathogenic (1); Likely pathogenic (2). Last evaluated 2024-01-22.

Conditions:
Very long chain acyl-CoA dehydrogenase deficiency (ACADVLD). Also called: Very Long-Chain Acyl-Coenzyme A Dehydrogenase Deficiency; VLCAD Deficiency. Identifiers: Orphanet 26793, MedGen C3887523, MONDO:0008723, OMIM 201475.

Submissions (3):

Baylor Genetics
Classification: Likely pathogenic for Very long chain acyl-CoA dehydrogenase deficiency. Last evaluated: 2024-01-22. Review status: criteria provided, single submitter. Criteria: ACMG Guidelines, 2015. Collection method: clinical testing. Allele origin: unknown.

Labcorp Genetics (formerly Invitae), Labcorp
Classification: Pathogenic for Very long chain acyl-CoA dehydrogenase deficiency. Last evaluated: 2023-12-19. Review status: criteria provided, single submitter. Criteria: Invitae Variant Classification Sherloc (09022015). Collection method: clinical testing. Allele origin: germline.
Comment: This sequence change creates a premature translational stop signal (p.Gln508*) in the ACADVL gene. It is expected to result in an absent or disrupted protein product. Loss-of-function variants in ACADVL are known to be pathogenic (PMID: 9973285, 11590124). This variant is not present in population databases (gnomAD no frequency). This premature translational stop signal has been observed in individual(s) with very long-chain acyl-CoA dehydrogenase deficiency (PMID: 34704412). ClinVar contains an entry for this variant (Variation ID: 1726981). Algorithms developed to predict the effect of sequence changes on RNA splicing suggest that this variant may disrupt the consensus splice site. For these reasons, this variant has been classified as Pathogenic.

Myriad Genetics, Inc.
Classification: Likely pathogenic for Very long chain acyl-CoA dehydrogenase deficiency. Last evaluated: 2022-01-06. Review status: criteria provided, single submitter. Criteria: Myriad Women's Health Autosomal Recessive and X-Linked Classification Criteria (2021). Collection method: clinical testing. Allele origin: unknown.
Comment: NM_000018.3(ACADVL):c.1522C>T(Q508*) is expected to be pathogenic in the context of very-long-chain acyl-CoA dehydrogenase deficiency. This variant is predicted to lead to an abnormal or absent protein product due to the creation of a premature termination codon in ACADVL, a gene where loss-of-function variants are known to be pathogenic. Please note: this variant was assessed in the context of healthy population screening.

Literature cited by the submitters: PubMed 9973285 (cited by Labcorp Genetics (formerly Invitae), Labcorp); PubMed 11590124 (cited by Labcorp Genetics (formerly Invitae), Labcorp); PubMed 34704412 (cited by Labcorp Genetics (formerly Invitae), Labcorp).

NM_000018.4(ACADVL):c.1522C>T (p.Gln508Ter)

Gene: ACADVL (acyl-CoA dehydrogenase very long chain; plus strand). Cytogenetic location: 17p13.1.
Variant type: single nucleotide variant.
Coding change: c.1522C>T on transcript NM_000018.4 (MANE Select); coding-DNA position 1522, C replaced by T.
Protein change: p.Gln508Ter; replaces glutamine 508 with a stop codon.
Molecular consequence: nonsense.
Genome position (GRCh38, 1-based): chr17:7,224,233, C>T. VCF-style: chr17-7224233-C-T. GRCh37 (hg19) VCF-style: chr17-7127552-C-T.
Other names: c.1456C>T, p.Gln486Ter (NM_001033859.3); c.1591C>T, p.Gln531Ter (NM_001270447.2); c.1294C>T, p.Gln432Ter (NM_001270448.2); short protein forms Q432*, Q486*, Q508*, Q531*.
Identifiers: ClinVar variation 1726981 (VCV001726981.9), dbSNP rs2071366876, ClinGen allele CA397725300.
Genomic context (GRCh38, chr17:7,224,233, plus strand): 5'-GGCAGTGCTCTAAAGAATCCCTTTGGGAATGCTGGCCTCCTGCTAGGAGAGGCAGGCAAA[C>T]AGCTGAGGCGGTAGGCTTAGGGCCAGAGCCAGGGGAGGGCAGGGTGGTGTATGGCAACTA-3'